The following is an entry in ClinVar:

ClinVar aggregate classification (germline): Uncertain significance (1 of 4 stars; one submission).

Conditions:
Neuronal ceroid lipofuscinosis 1 (CLN1). Also called: CEROID LIPOFUSCINOSIS, NEURONAL, 1, VARIABLE AGE AT ONSET; PPT1-Related Neuronal Ceroid-Lipofuscinosis. Identifiers: Orphanet 228329, MedGen C1850451, MONDO:0009744, OMIM 256730.

Allele frequency attached by ClinVar (database versions not stated): ExAC 0.00001; gnomAD 0.00001; 1000 Genomes Project 30x 0.00016; 1000 Genomes Project 0.00020.
gnomAD v4.1: 2 of 1,614,092 alleles (0.00012%); highest among the groups gnomAD compares: Admixed American, 0.0017%; no homozygotes.

Submission:

Labcorp Genetics (formerly Invitae), Labcorp
Classification: Uncertain significance for Neuronal ceroid lipofuscinosis 1. Last evaluated: 2022-07-10. Review status: criteria provided, single submitter. Criteria: Invitae Variant Classification Sherloc (09022015). Collection method: clinical testing. Allele origin: germline.
Comment: This sequence change replaces cysteine, which is neutral and slightly polar, with tryptophan, which is neutral and slightly polar, at codon 19 of the PPT1 protein (p.Cys19Trp). This variant is present in population databases (rs530467912, gnomAD 0.003%). This variant has not been reported in the literature in individuals affected with PPT1-related conditions. Advanced modeling of protein sequence and biophysical properties (such as structural, functional, and spatial information, amino acid conservation, physicochemical variation, residue mobility, and thermodynamic stability) performed at Invitae indicates that this missense variant is not expected to disrupt PPT1 protein function. In summary, the available evidence is currently insufficient to determine the role of this variant in disease. Therefore, it has been classified as a Variant of Uncertain Significance.

NM_000310.4(PPT1):c.57C>G (p.Cys19Trp)

Gene: PPT1 (palmitoyl-protein thioesterase 1; minus strand). Cytogenetic location: 1p34.2.
Variant type: single nucleotide variant.
Coding change: c.57C>G on transcript NM_000310.4 (MANE Select); coding-DNA position 57, C replaced by G.
Protein change: p.Cys19Trp; replaces cysteine 19 with tryptophan.
Molecular consequence: missense variant.
Genome position (GRCh38, 1-based): chr1:40,097,182, G>C on the plus strand (C>G on the coding strand, the complement: PPT1 is on the minus strand). VCF-style: chr1-40097182-G-C. GRCh37 (hg19) VCF-style: chr1-40562854-G-C.
Other names: c.57C>G, p.Cys19Trp (NM_001142604.2, NM_001363695.2); short protein forms C19W.
Identifiers: ClinVar variation 1931734 (VCV001931734.2), dbSNP rs530467912, ClinGen allele CA789848.